The following is an entry in ClinVar:

ClinVar aggregate classification (germline): Uncertain significance (1 of 4 stars; one submission).

Allele frequency attached by ClinVar (database versions not stated): gnomAD exomes below 0.00001.
gnomAD v4.1: 1 of 1,614,078 alleles (0.000062%); highest among the groups gnomAD compares: African/African-American, 0.0013%; no homozygotes.

Submission:

GeneDx
Classification: Uncertain significance. Last evaluated: 2017-09-15. Review status: criteria provided, single submitter. Criteria: GeneDx Variant Classification (06012015). Collection method: clinical testing. Allele origin: germline. Affected: yes.
Comment: The A52D variant has not been published as a pathogenic variant, nor has it been reported as a benign variant to our knowledge. The A52D variant is not observed in large population cohorts (Lek et al., 2016). This variant is a non-conservative amino acid substitution, which is likely to impact secondary protein structure as these residues differ in polarity, charge, size and/or other properties. This substitution occurs at a position that is conserved across species, and in silico analysis predicts this variant is probably damaging to the protein structure/function. However, missense variants in nearby residues have not been reported in the Human Gene Mutation Database in association with HSPB8-related disorders (Stenson et al., 2014).

NM_014365.3(HSPB8):c.155C>A (p.Ala52Asp)

Gene: HSPB8 (heat shock protein family B (small) member 8; plus strand). Cytogenetic location: 12q24.23.
Variant type: single nucleotide variant.
Coding change: c.155C>A on transcript NM_014365.3 (MANE Select); coding-DNA position 155, C replaced by A.
Protein change: p.Ala52Asp; replaces alanine 52 with aspartic acid.
Molecular consequence: missense variant.
Genome position (GRCh38, 1-based): chr12:119,179,467, C>A. VCF-style: chr12-119179467-C-A. GRCh37 (hg19) VCF-style: chr12-119617272-C-A.
Other names: short protein forms A52D.
Identifiers: ClinVar variation 451968 (VCV000451968.2), dbSNP rs1555222569, ClinGen allele CA386524616.